The following is an entry in ClinVar:

NM_003705.5(SLC25A12):c.947G>C (p.Gly316Ala)

Gene: SLC25A12 (solute carrier family 25 member 12; minus strand). Cytogenetic location: 2q31.1.
Variant type: single nucleotide variant.
Coding change: c.947G>C on transcript NM_003705.5 (MANE Select); coding-DNA position 947, G replaced by C.
Protein change: p.Gly316Ala; replaces glycine 316 with alanine.
Molecular consequence: missense variant. On other transcripts: non-coding transcript variant (1).
Genome position (GRCh38, 1-based): chr2:171,815,186, C>G on the plus strand (G>C on the coding strand, the complement: SLC25A12 is on the minus strand). VCF-style: chr2-171815186-C-G. GRCh37 (hg19) VCF-style: chr2-172671696-C-G.
Other names: c.947G>C (NM_003705.3); short protein forms G316A.
Identifiers: ClinVar variation 1387340 (VCV001387340.9), dbSNP rs2105864972, ClinGen allele CA349290559.

ClinVar aggregate classification (germline): Uncertain significance. Review status: criteria provided, multiple submitters, no conflicts (2 of 4 stars). 2 submissions from 2 submitters: Uncertain significance (2). Last evaluated 2025-09-28.

Conditions:
Inborn genetic diseases. Identifiers: MedGen C0950123, MeSH D030342.

Submissions (2):

Ambry Genetics
Classification: Uncertain significance for Inborn genetic diseases. Last evaluated: 2025-09-28. Review status: criteria provided, single submitter. Criteria: Ambry Variant Classification Scheme 2023. Collection method: clinical testing. Allele origin: germline.

Labcorp Genetics (formerly Invitae), Labcorp
Classification: Uncertain significance. Last evaluated: 2024-05-29. Review status: criteria provided, single submitter. Criteria: Invitae Variant Classification Sherloc (09022015). Collection method: clinical testing. Allele origin: germline.
Comment: This sequence change replaces glycine, which is neutral and non-polar, with alanine, which is neutral and non-polar, at codon 316 of the SLC25A12 protein (p.Gly316Ala). This variant is not present in population databases (gnomAD no frequency). This variant has not been reported in the literature in individuals affected with SLC25A12-related conditions. ClinVar contains an entry for this variant (Variation ID: 1387340). An algorithm developed to predict the effect of missense changes on protein structure and function (PolyPhen-2) suggests that this variant is likely to be tolerated. In summary, the available evidence is currently insufficient to determine the role of this variant in disease. Therefore, it has been classified as a Variant of Uncertain Significance.